The following is an entry in ClinVar:

ClinVar aggregate classification (germline): Likely benign. Review status: criteria provided, multiple submitters, no conflicts (2 of 4 stars). 2 submissions from 2 submitters: Likely benign (2). Last evaluated 2024-11-26.

Submissions (2):

Blueprint Genetics
Classification: Likely benign. Last evaluated: 2024-11-26. Review status: criteria provided, single submitter. Criteria: ACMG Guidelines, 2015. Collection method: clinical testing. Allele origin: germline.

CeGaT Center for Human Genetics Tuebingen
Classification: Likely benign. Last evaluated: 2023-01-01. Review status: criteria provided, single submitter. Criteria: CeGaT Center For Human Genetics Tuebingen Variant Classification Criteria Version 2. Collection method: clinical testing. Allele origin: germline. Affected: yes. Observed: 1 variant allele.
Comment: MYCN: BP4, BP7

NM_005378.6(MYCN):c.-170A>C

Genes: MYCN (MYCN proto-oncogene, bHLH transcription factor; plus strand), MYCNOS (MYCN opposite strand; minus strand). Cytogenetic location: 2p24.3.
Variant type: single nucleotide variant.
Coding change: c.-170A>C on transcript NM_005378.6 (MANE Select); 170 bases upstream of the start codon, A replaced by C.
Molecular consequence: 5 prime UTR variant. On other transcripts: synonymous variant (2).
Genome position (GRCh38, 1-based): chr2:15,940,691, A>C. VCF-style: chr2-15940691-A-C. GRCh37 (hg19) VCF-style: chr2-16080813-A-C.
Other names: c.-480A>C (NM_001293228.2); c.105A>C, p.Pro35= (NM_001293231.2, NM_001293233.2).
Identifiers: ClinVar variation 2650692 (VCV002650692.25), dbSNP rs1662614831, ClinGen allele CA1027900465.